The following is an entry in ClinVar:

NM_005826.5(HNRNPR):c.409A>G (p.Thr137Ala)

Gene: HNRNPR (heterogeneous nuclear ribonucleoprotein R; minus strand). Cytogenetic location: 1p36.12.
Variant type: single nucleotide variant.
Coding change: c.409A>G on transcript NM_005826.5 (MANE Select); coding-DNA position 409, A replaced by G.
Protein change: p.Thr137Ala; replaces threonine 137 with alanine.
Molecular consequence: missense variant. On other transcripts: intron variant (2).
Genome position (GRCh38, 1-based): chr1:23,333,607, T>C on the plus strand (A>G on the coding strand, the complement: HNRNPR is on the minus strand). VCF-style: chr1-23333607-T-C. GRCh37 (hg19) VCF-style: chr1-23660100-T-C.
Other names: c.106A>G, p.Thr36Ala (NM_001102399.3, NM_001297621.2, NM_001102397.3); c.409A>G, p.Thr137Ala (NM_001437727.1, NM_001438564.1, NM_001102398.3); c.81+4147A>G (NM_001297622.2); c.384+4147A>G (NM_001297620.2); short protein forms T36A, T137A.
Identifiers: ClinVar variation 4795556 (VCV004795556.1).

ClinVar aggregate classification (germline): Uncertain significance (1 of 4 stars; one submission).

gnomAD v4.1: 7 of 1,611,714 alleles (0.00043%); highest among the groups gnomAD compares: Non-Finnish European, 0.00059%; no homozygotes.

Submission:

GeneDx
Classification: Uncertain significance. Last evaluated: 2025-08-11. Review status: criteria provided, single submitter. Criteria: GeneDx Variant Classification Process June 2021. Collection method: clinical testing. Allele origin: germline. Affected: yes.
Comment: Not observed at significant frequency in large population cohorts (gnomAD); In silico analysis suggests that this missense variant does not alter protein structure/function; Has not been previously published as pathogenic or benign to our knowledge